The following is an entry in ClinVar:

ClinVar aggregate classification (germline): Likely benign. Review status: criteria provided, multiple submitters, no conflicts (2 of 4 stars). 2 submissions from 2 submitters: Likely benign (2). Last evaluated 2023-04-01.

Allele frequency attached by ClinVar (database versions not stated): gnomAD exomes below 0.00001; TOPMed below 0.00001; gnomAD 0.00003.
gnomAD v4.1: 8 of 1,530,034 alleles (0.00052%); highest among the groups gnomAD compares: Middle Eastern, 0.019%; no homozygotes.

Submissions (2):

CeGaT Center for Human Genetics Tuebingen
Classification: Likely benign. Last evaluated: 2023-04-01. Review status: criteria provided, single submitter. Criteria: CeGaT Center For Human Genetics Tuebingen Variant Classification Criteria Version 2. Collection method: clinical testing. Allele origin: germline. Affected: yes. Observed: 1 variant allele.
Comment: CACNA1G: BP4, BP7

Labcorp Genetics (formerly Invitae), Labcorp
Classification: Likely benign. Last evaluated: 2022-11-15. Review status: criteria provided, single submitter. Criteria: Invitae Variant Classification Sherloc (09022015). Collection method: clinical testing. Allele origin: germline.

NM_018896.5(CACNA1G):c.5769G>A (p.Leu1923=)

Gene: CACNA1G (calcium voltage-gated channel subunit alpha1 G; plus strand). Cytogenetic location: 17q21.33.
Variant type: single nucleotide variant.
Coding change: c.5769G>A on transcript NM_018896.5 (MANE Select); coding-DNA position 5769, G replaced by A.
Protein change: p.Leu1923=; no amino-acid change (leucine 1923 retained).
Molecular consequence: synonymous variant. On other transcripts: non-coding transcript variant (5).
Genome position (GRCh38, 1-based): chr17:50,618,996, G>A. VCF-style: chr17-50618996-G-A. GRCh37 (hg19) VCF-style: chr17-48696357-G-A.
Other names: c.5715G>A, p.Leu1905= (NM_001256324.2, NM_198386.3); c.5790G>A, p.Leu1930= (NM_001256325.2); c.5634G>A, p.Leu1878= (NM_001256326.2, NM_001256330.2); c.5748G>A, p.Leu1916= (NM_001256327.2); c.5694G>A, p.Leu1898= (NM_001256328.2); c.5667G>A, p.Leu1889= (NM_001256329.2, NM_198376.3, NM_198379.3 and 2 more transcripts); c.5613G>A, p.Leu1871= (NM_001256331.2); c.5598G>A, p.Leu1866= (NM_001256332.2); and 7 more.
Identifiers: ClinVar variation 2647929 (VCV002647929.27), dbSNP rs1469770898, ClinGen allele CA500999620.